The following is an entry in ClinVar:

NM_001374736.1(DST):c.1963C>T (p.His655Tyr)

Gene: DST (dystonin; minus strand). Cytogenetic location: 6p12.1.
Variant type: single nucleotide variant.
Coding change: c.1963C>T on transcript NM_001374736.1 (MANE Select); coding-DNA position 1963, C replaced by T.
Protein change: p.His655Tyr; replaces histidine 655 with tyrosine.
Molecular consequence: missense variant.
Genome position (GRCh38, 1-based): chr6:56,642,011, G>A on the plus strand (C>T on the coding strand, the complement: DST is on the minus strand). VCF-style: chr6-56642011-G-A. GRCh37 (hg19) VCF-style: chr6-56506809-G-A.
Other names: c.1864C>T, p.His622Tyr (NM_001144769.5); c.1450C>T, p.His484Tyr (NM_001144770.2); c.1963C>T, p.His655Tyr (NM_001374722.1); c.1330C>T, p.His444Tyr (NM_001374729.1, NM_001374730.1, NM_001386100.1 and 1 more transcripts); c.1990C>T, p.His664Tyr (NM_001374734.1); c.352C>T, p.His118Tyr (NM_001723.7, NM_015548.5); short protein forms H444Y, H622Y, H655Y, H118Y, H484Y, H664Y.
Identifiers: ClinVar variation 2130550 (VCV002130550.4), dbSNP rs2098910904, ClinGen allele CA364614954.

ClinVar aggregate classification (germline): Uncertain significance (1 of 4 stars; one submission).

Conditions:
Hereditary sensory and autonomic neuropathy type 6. Also called: Neuropathy, hereditary sensory and autonomic, type VI; HSAN VI. Identifiers: Orphanet 314381, MedGen C3539003, MONDO:0013839, OMIM 614653.
Epidermolysis bullosa simplex 3, localized or generalized intermediate, with BP230 deficiency (EBS3). Also called: Epidermolysis bullosa simplex, autosomal recessive 2; Epidermolysis bullosa simplex due to BP230 deficiency. Identifiers: Orphanet 412181, MedGen C3809470, MONDO:0014180, OMIM 615425.

Allele frequency attached by ClinVar (database versions not stated): TOPMed below 0.00001.
gnomAD v4.1: 1 of 1,613,208 alleles (0.000062%); no homozygotes.

Submission:

Labcorp Genetics (formerly Invitae), Labcorp
Classification: Uncertain significance for Epidermolysis bullosa simplex 3, localized or generalized intermediate, with BP230 deficiency; Hereditary sensory and autonomic neuropathy type 6. Last evaluated: 2022-04-25. Review status: criteria provided, single submitter. Criteria: Invitae Variant Classification Sherloc (09022015). Collection method: clinical testing. Allele origin: germline.
Comment: Algorithms developed to predict the effect of missense changes on protein structure and function (SIFT, PolyPhen-2, Align-GVGD) all suggest that this variant is likely to be disruptive. This variant has not been reported in the literature in individuals affected with DST-related conditions. In summary, the available evidence is currently insufficient to determine the role of this variant in disease. Therefore, it has been classified as a Variant of Uncertain Significance. This variant is not present in population databases (gnomAD no frequency). This sequence change replaces histidine, which is basic and polar, with tyrosine, which is neutral and polar, at codon 118 of the DST protein (p.His118Tyr).